The following is an entry in ClinVar:

ClinVar aggregate classification (germline): Uncertain significance (1 of 4 stars; one submission).

Conditions:
Peroxisome biogenesis disorder 11A (Zellweger). Also called: Peroxisome biogenesis disorder 11A. Identifiers: Orphanet 912, MedGen C3554000, MONDO:0013949, OMIM 614883.

Allele frequency attached by ClinVar (database versions not stated): gnomAD exomes below 0.00001.
gnomAD v4.1: 1 of 1,614,234 alleles (0.000062%); highest among the groups gnomAD compares: South Asian, 0.0011%; no homozygotes.

Submission:

Labcorp Genetics (formerly Invitae), Labcorp
Classification: Uncertain significance for Peroxisome biogenesis disorder 11A (Zellweger). Last evaluated: 2021-08-31. Review status: criteria provided, single submitter. Criteria: Invitae Variant Classification Sherloc (09022015). Collection method: clinical testing. Allele origin: germline.
Comment: This sequence change replaces arginine with tryptophan at codon 127 of the PEX13 protein (p.Arg127Trp). The arginine residue is highly conserved and there is a moderate physicochemical difference between arginine and tryptophan. This variant is not present in population databases (ExAC no frequency). This variant has not been reported in the literature in individuals affected with PEX13-related conditions. Algorithms developed to predict the effect of missense changes on protein structure and function (SIFT, PolyPhen-2, Align-GVGD) all suggest that this variant is likely to be disruptive. In summary, the available evidence is currently insufficient to determine the role of this variant in disease. Therefore, it has been classified as a Variant of Uncertain Significance.

NM_002618.4(PEX13):c.379A>T (p.Arg127Trp)

Gene: PEX13 (peroxisomal biogenesis factor 13; plus strand). Cytogenetic location: 2p15.
Variant type: single nucleotide variant.
Coding change: c.379A>T on transcript NM_002618.4 (MANE Select); coding-DNA position 379, A replaced by T.
Protein change: p.Arg127Trp; replaces arginine 127 with tryptophan.
Molecular consequence: missense variant.
Genome position (GRCh38, 1-based): chr2:61,031,705, A>T. VCF-style: chr2-61031705-A-T. GRCh37 (hg19) VCF-style: chr2-61258840-A-T.
Other names: short protein forms R127W.
Identifiers: ClinVar variation 1359266 (VCV001359266.5), dbSNP rs1224323223, ClinGen allele CA346942382.
Genomic context (GRCh38, chr2:61,031,705, plus strand): 5'-CGCCTCCGTGTAGATGATCTTCCACCCAGTAGATTTGTTCAGCAAGCTGAAGAAAGCAGC[A>T]GGGGTGCATTTCAGTCCATTGAAAGTATTGTGCATGCATTTGCCTCTGTCAGTATGATGA-3'
Protein context (NP_002609.1, residues 117-137): RFVQQAEESS[Arg127Trp]GAFQSIESIV